The following is an entry in ClinVar:

NM_021930.6(RINT1):c.131G>A (p.Ser44Asn)

Gene: RINT1 (RAD50 interactor 1; plus strand). Cytogenetic location: 7q22.3.
Variant type: single nucleotide variant.
Coding change: c.131G>A on transcript NM_021930.6 (MANE Select); coding-DNA position 131, G replaced by A.
Protein change: p.Ser44Asn; replaces serine 44 with asparagine.
Molecular consequence: missense variant. On other transcripts: 5 prime UTR variant (3), non-coding transcript variant (1).
Genome position (GRCh38, 1-based): chr7:105,536,607, G>A. VCF-style: chr7-105536607-G-A. GRCh37 (hg19) VCF-style: chr7-105177054-G-A.
Other names: c.34G>A, p.Val12Met (NM_001346599.2); c.-889G>A (NM_001346600.2); c.-792G>A (NM_001346601.2); c.-412G>A (NM_001346603.2); short protein forms S44N, V12M.
Identifiers: ClinVar variation 1769869 (VCV001769869.3), dbSNP rs1189550467, ClinGen allele CA368800093.
Genomic context (GRCh38, chr7:105,536,607, plus strand): 5'-GTTATTCTTTTGTTGTAGGTGACATAAATGTTACAGTTCTTATTGGAAGTAAACAAGTCA[G>A]TGAAGGTACAGATAATGGTGATCTCCCTTCTTATGTGTCTGCATTCATAGAAAAGGAAGT-3'
Protein context (NP_068749.3, residues 34-54): VTVLIGSKQV[Ser44Asn]EGTDNGDLPS

ClinVar aggregate classification (germline): Uncertain significance (1 of 4 stars; one submission).

Allele frequency attached by ClinVar (database versions not stated): gnomAD exomes below 0.00001.
gnomAD v4.1: 5 of 1,606,978 alleles (0.00031%); highest among the groups gnomAD compares: Non-Finnish European, 0.00042%; no homozygotes.

Submission:

Ambry Genetics
Classification: Uncertain significance. Last evaluated: 2025-05-15. Review status: criteria provided, single submitter. Criteria: Ambry Variant Classification Scheme 2023. Collection method: clinical testing. Allele origin: germline.
Comment: The p.S44N variant (also known as c.131G>A), located in coding exon 3 of the RINT1 gene, results from a G to A substitution at nucleotide position 131. The serine at codon 44 is replaced by asparagine, an amino acid with highly similar properties. This amino acid position is poorly conserved in available vertebrate species. In addition, this alteration is predicted to be tolerated by in silico analysis. The evidence for this gene-disease relationship is limited; therefore, the clinical significance of this alteration is unclear.